The following is an entry in ClinVar:

ClinVar aggregate classification (germline): Conflicting classifications of pathogenicity. Review status: criteria provided, conflicting classifications (1 of 4 stars). 17 submissions from 13 submitters: Uncertain significance (1); Benign (11); Likely benign (5). Last evaluated 2026-02-02.

Conditions:
Cardiovascular phenotype. Identifiers: MedGen CN230736.
Dilated cardiomyopathy 1G (CMD1G). Identifiers: Orphanet 154, MedGen C1858763, MONDO:0011400, OMIM 604145.
Autosomal recessive limb-girdle muscular dystrophy type 2J (LGMDR10). Also called: Limb-girdle muscular dystrophy, type 2J; MUSCULAR DYSTROPHY, LIMB-GIRDLE, AUTOSOMAL RECESSIVE 10. Identifiers: Orphanet 140922, MedGen C1837342, MONDO:0012127, OMIM 608807.
Cardiomyopathy (CMYO). Also called: Cardiomyopathies. Identifiers: Orphanet 167848, MedGen C0878544, MONDO:0004994, HP:0001638. Inheritance: Various modes of inheritance.
Tibial muscular dystrophy (TMD). Also called: UDD MYOPATHY; Tibial muscular dystrophy, tardive; Udd Distal Myopathy – Tibial Muscular Dystrophy. Identifiers: Orphanet 609, MedGen C1838244, MONDO:0010870, OMIM 600334.
Early-onset myopathy with fatal cardiomyopathy (CMYO5). Also called: Salih Myopathy; CONGENITAL MYOPATHY 5 WITH CARDIOMYOPATHY. Identifiers: Orphanet 289377, MedGen C2673677, MONDO:0012714, OMIM 611705. Disease mechanism: loss of function.
Myopathy, myofibrillar, 9, with early respiratory failure (MFM9). Also called: Hereditary myopathy with early respiratory failure; MYOPATHY, PROXIMAL, WITH EARLY RESPIRATORY MUSCLE INVOLVEMENT; Myopathy, distal, with early respiratory failure, autosomal dominant; EDSTROM MYOPATHY. Identifiers: Orphanet 178464, Orphanet 34521, MedGen C1863599, MONDO:0011362, OMIM 603689.
Primary dilated cardiomyopathy (DCM). Also called: Dilated Cardiomyopathy. Identifiers: Orphanet 217604, MedGen C0007193, MeSH D002311, MONDO:0005021, HP:0001644. Inheritance: Various modes of inheritance.

Allele frequency attached by ClinVar (database versions not stated): gnomAD exomes 0.00031 and 0.00070; gnomAD 0.00285 and 0.00295; ExAC 0.00091; 1000 Genomes Project 30x 0.00344; ESP Exome Variant Server 0.00323; TOPMed 0.00303; 1000 Genomes Project 0.00319.
gnomAD v4.1: 914 of 1,613,180 alleles (0.057%); highest among the groups gnomAD compares: African/African-American, 0.97%; 11 homozygotes.

Submissions (17):

Labcorp Genetics (formerly Invitae), Labcorp
Classification: Benign for Dilated cardiomyopathy 1G; Autosomal recessive limb-girdle muscular dystrophy type 2J. Last evaluated: 2026-02-02. Review status: criteria provided, single submitter. Criteria: Invitae Variant Classification Sherloc (09022015). Collection method: clinical testing. Allele origin: germline.

Molecular Diagnostic Laboratory for Inherited Cardiovascular Disease, Montreal Heart Institute
Classification: Benign. Last evaluated: 2025-04-09. Review status: criteria provided, single submitter. Criteria: ACMG Guidelines, 2015. Collection method: clinical testing. Allele origin: germline. Affected: no.

Blueprint Genetics
Classification: Likely benign. Last evaluated: 2024-09-23. Review status: criteria provided, single submitter. Criteria: ACMG Guidelines, 2015. Collection method: clinical testing. Allele origin: germline.

ARUP Laboratories, Molecular Genetics and Genomics, ARUP Laboratories
Classification: Likely benign. Last evaluated: 2023-11-29. Review status: criteria provided, single submitter. Criteria: ARUP Molecular Germline Variant Investigation Process 2024. Collection method: clinical testing. Allele origin: germline.

CHEO Genetics Diagnostic Laboratory, Children's Hospital of Eastern Ontario
Classification: Benign for Cardiomyopathy. Last evaluated: 2023-06-06. Review status: criteria provided, single submitter. Criteria: ACMG Guidelines, 2015. Collection method: clinical testing. Allele origin: germline.

CeGaT Center for Human Genetics Tuebingen
Classification: Likely benign. Last evaluated: 2023-01-01. Review status: criteria provided, single submitter. Criteria: CeGaT Center For Human Genetics Tuebingen Variant Classification Criteria Version 2. Collection method: clinical testing. Allele origin: germline. Affected: yes. Observed: 1 variant allele.
Comment: TTN: BP4, BS2

Women's Health and Genetics/Laboratory Corporation of America, LabCorp
Classification: Benign. Last evaluated: 2021-05-03. Review status: criteria provided, single submitter. Criteria: LabCorp Variant Classification Summary - May 2015. Collection method: clinical testing. Allele origin: germline.
Comment: Variant summary: TTN c.2765G>A (p.Arg922His) results in a non-conservative amino acid change located near the Z-disk region of the encoded protein sequence. Four of five in-silico tools predict a benign effect of the variant on protein function. The variant allele was found at a frequency of 0.0007 in 250340 control chromosomes, predominantly at a frequency of 0.0094 within the African or African-American subpopulation in the gnomAD database, including 1 homozygote. The observed variant frequency within African or African-American control individuals in the gnomAD database is approximately 24- fold the estimated maximal expected allele frequency for a pathogenic variant in TTN causing Dilated Cardiomyopathy phenotype (0.00039), strongly suggesting that the variant is a benign polymorphism found primarily in populations of African or African-American origin. Nine clinical diagnostic laboratories have submitted clinical-significance assessments for this variant to ClinVar after 2014 without evidence for independent evaluation, citing the variant as benign/likely benign (n=8) and uncertain significance (n=1). Based on the evidence outlined above, the variant was classified as benign.

Center for Advanced Laboratory Medicine, UC San Diego Health, University of California San Diego
Classification: Benign for Dilated cardiomyopathy. Last evaluated: 2019-05-08. Review status: criteria provided, single submitter. Criteria: ACMG Guidelines, 2015. Collection method: clinical testing. Allele origin: germline. Affected: yes. Observed: 2 variant alleles.

Illumina Laboratory Services, Illumina
Classification: Likely benign for Early-onset myopathy with fatal cardiomyopathy. Last evaluated: 2018-01-12. Review status: criteria provided, single submitter. Criteria: ICSL Variant Classification Criteria 13 December 2019. Collection method: clinical testing. Allele origin: germline.
Comment: This variant was observed in the ICSL laboratory as part of a predisposition screen in an ostensibly healthy population. It had not been previously curated by ICSL or reported in the Human Gene Mutation Database (HGMD: prior to June 1st, 2018), and was therefore a candidate for classification through an automated scoring system. Utilizing variant allele frequency, disease prevalence and penetrance estimates, and inheritance mode, an automated score was calculated to assess if this variant is too frequent to cause the disease. Based on the score and internal cut-off values, a variant classified as likely benign is not then subjected to further curation. The score for this variant resulted in a classification of likely benign for this disease.

Illumina Laboratory Services, Illumina
Classification: Likely benign for Dilated cardiomyopathy 1G. Last evaluated: 2018-01-12. Review status: criteria provided, single submitter. Criteria: ICSL Variant Classification Criteria 13 December 2019. Collection method: clinical testing. Allele origin: germline.
Comment: the same text as in the submission from Illumina Laboratory Services, Illumina above.

Illumina Laboratory Services, Illumina
Classification: Benign for Tibial muscular dystrophy. Last evaluated: 2018-01-12. Review status: criteria provided, single submitter. Criteria: ICSL Variant Classification Criteria 13 December 2019. Collection method: clinical testing. Allele origin: germline.
Comment: This variant was observed in the ICSL laboratory as part of a predisposition screen in an ostensibly healthy population. It had not been previously curated by ICSL or reported in the Human Gene Mutation Database (HGMD: prior to June 1st, 2018), and was therefore a candidate for classification through an automated scoring system. Utilizing variant allele frequency, disease prevalence and penetrance estimates, and inheritance mode, an automated score was calculated to assess if this variant is too frequent to cause the disease. Based on the score and internal cut-off values, a variant classified as benign is not then subjected to further curation. The score for this variant resulted in a classification of benign for this disease.

Illumina Laboratory Services, Illumina
Classification: Uncertain significance for Autosomal recessive limb-girdle muscular dystrophy type 2J. Last evaluated: 2018-01-12. Review status: criteria provided, single submitter. Criteria: ICSL Variant Classification Criteria 13 December 2019. Collection method: clinical testing. Allele origin: germline.

Illumina Laboratory Services, Illumina
Classification: Benign for Myopathy, myofibrillar, 9, with early respiratory failure. Last evaluated: 2018-01-12. Review status: criteria provided, single submitter. Criteria: ICSL Variant Classification Criteria 13 December 2019. Collection method: clinical testing. Allele origin: germline.
Comment: the same text as in the submission from Illumina Laboratory Services, Illumina above.

GeneDx
Classification: Benign. Last evaluated: 2017-10-18. Review status: criteria provided, single submitter. Criteria: GeneDx Variant Classification (06012015). Collection method: clinical testing. Allele origin: germline. Affected: yes.
Comment: This variant is considered likely benign or benign based on one or more of the following criteria: it is a conservative change, it occurs at a poorly conserved position in the protein, it is predicted to be benign by multiple in silico algorithms, and/or has population frequency not consistent with disease.

Ambry Genetics
Classification: Benign for Cardiovascular phenotype. Last evaluated: 2015-10-23. Review status: criteria provided, single submitter. Criteria: Ambry Variant Classification Scheme 2023. Collection method: clinical testing. Allele origin: germline.

Eurofins Ntd Llc (ga)
Classification: Benign. Last evaluated: 2015-06-17. Review status: criteria provided, single submitter. Criteria: EGL Classification Definitions 2015. Collection method: clinical testing. Allele origin: germline. Observed: 1 variant allele, 1 heterozygote.

Laboratory for Molecular Medicine, Mass General Brigham Personalized Medicine
Classification: Benign. Last evaluated: 2015-04-01. Review status: criteria provided, single submitter. Criteria: LMM Criteria. Collection method: clinical testing. Allele origin: germline. Observed: 5 variant alleles.
Comment: p.Arg922His in exon 16 of TTN: This variant is not expected to have clinical sig nificance because it has been identified in 1.0% (102/10404) of African chromoso mes by the Exome Aggregation Consortium (ExAC; d bSNP rs56046320).

NM_001267550.2(TTN):c.2765G>A (p.Arg922His)

Gene: TTN (titin; minus strand). Cytogenetic location: 2q31.2.
Variant type: single nucleotide variant.
Coding change: c.2765G>A on transcript NM_001267550.2 (MANE Select); coding-DNA position 2765, G replaced by A.
Protein change: p.Arg922His; replaces arginine 922 with histidine.
Molecular consequence: missense variant.
Genome position (GRCh38, 1-based): chr2:178,784,080, C>T on the plus strand (G>A on the coding strand, the complement: TTN is on the minus strand). VCF-style: chr2-178784080-C-T. GRCh37 (hg19) VCF-style: chr2-179648807-C-T.
Other names: p.R922H:CGC>CAC; c.2765G>A, p.Arg922His (NM_133378.4, NM_001256850.1, NM_133379.5); c.2627G>A, p.Arg876His (NM_003319.4, NM_133432.3, NM_133437.4); short protein forms R922H, R876H.
Identifiers: ClinVar variation 96278 (VCV000096278.59), dbSNP rs56046320, ClinGen allele CA149418.